The following is an entry in ClinVar:

ClinVar aggregate classification (germline): Pathogenic. Review status: criteria provided, single submitter (1 of 4 stars). 2 submissions from 2 submitters: Pathogenic (1). 1 of the submissions does not count toward it. Last evaluated 2023-12-22.

Conditions:
Polyposis syndrome, hereditary mixed, 1 (HMPS1). Also called: COLORECTAL ADENOMA AND CARCINOMA 1; CHROMOSOME 15q13-q14 DUPLICATION SYNDROME, 40-KB. Identifiers: Orphanet 157794, MedGen C1832587, MONDO:0042486, OMIM 601228.

Submissions (2):

Labcorp Genetics (formerly Invitae), Labcorp
Classification: Pathogenic. Last evaluated: 2023-12-22. Review status: criteria provided, single submitter. Criteria: Invitae Variant Classification Sherloc (09022015). Collection method: clinical testing. Allele origin: germline.
Comment: This sequence change creates a premature translational stop signal (p.Lys493Asnfs*31) in the CTNNA1 gene. It is expected to result in an absent or disrupted protein product. Loss-of-function variants in CTNNA1 are known to be pathogenic (PMID: 32051609, 34425242). This variant is not present in population databases (gnomAD no frequency). This variant has not been reported in the literature in individuals affected with CTNNA1-related conditions. ClinVar contains an entry for this variant (Variation ID: 1042674). For these reasons, this variant has been classified as Pathogenic.

Genomic Center, National Cancer Institute
Classification: Likely pathogenic for Polyposis syndrome, hereditary mixed, 1. Review status: no assertion criteria provided. Collection method: case-control. Allele origin: germline. Affected: yes. Not counted in ClinVar's aggregate classification.

Literature cited by the submitters: PubMed 32051609 (cited by Labcorp Genetics (formerly Invitae), Labcorp); PubMed 34425242 (cited by Labcorp Genetics (formerly Invitae), Labcorp).

NM_001903.5(CTNNA1):c.1479del (p.Lys493fs)

Gene: CTNNA1 (catenin alpha 1; plus strand). Cytogenetic location: 5q31.2.
Variant type: Deletion.
Coding change: c.1479del on transcript NM_001903.5 (MANE Select); coding-DNA position 1479, one base deleted (A; older notation c.1479delA).
Protein change: p.Lys493fs; shifts the reading frame from lysine 493.
Molecular consequence: frameshift variant.
Genome position (GRCh38, 1-based): chr5:138,917,831, A deleted; the last of 5 consecutive A bases (chr5:138,917,827-138,917,831); deleting any one gives the same sequence. VCF-style (leftmost placement, unchanged base first): chr5-138917826-GA-G. GRCh37 (hg19) VCF-style: chr5-138253515-GA-G.
Other names: c.1479del, p.Lys493fs (NM_001290307.3, NM_001323982.2, NM_001323983.1 and 2 more transcripts); c.1170del, p.Lys390fs (NM_001290309.3); c.1110del, p.Lys370fs (NM_001290310.3); c.369del, p.Lys123fs (NM_001290312.1, NM_001323987.1, NM_001323988.1 and 17 more transcripts); c.1386del, p.Lys462fs (NM_001323986.2); c.30del, p.Lys10fs (NM_001324006.1, NM_001324007.1, NM_001324008.1 and 2 more transcripts); c.276del, p.Lys92fs (NM_001324011.1); c.126del, p.Lys42fs (NM_001324012.1, NM_001324013.1); short protein forms K10fs, K370fs, K92fs, K390fs, K42fs, K462fs, K493fs, K123fs.
Identifiers: ClinVar variation 1042674 (VCV001042674.8), dbSNP rs1762114658, ClinGen allele CA645559203.